The following is an entry in ClinVar:

NM_207346.3(TSEN54):c.143_186del (p.Ser48fs)

Gene: TSEN54 (tRNA splicing endonuclease subunit 54; plus strand). Cytogenetic location: 17q25.1.
Variant type: Deletion.
Coding change: c.143_186del on transcript NM_207346.3 (MANE Select); coding-DNA positions 143 to 186, 44 bases deleted.
Protein change: p.Ser48fs; shifts the reading frame from serine 48.
Molecular consequence: frameshift variant.
Genome position (GRCh38, 1-based): chr17:75,516,832-75,516,875, 44 bases deleted. GRCh37 (hg19): chr17:73,512,913-73,512,956.
Other names: short protein forms S48fs.
Identifiers: ClinVar variation 3656281 (VCV003656281.2).

ClinVar aggregate classification (germline): Pathogenic (1 of 4 stars; one submission).

Submission:

Labcorp Genetics (formerly Invitae), Labcorp
Classification: Pathogenic. Last evaluated: 2024-06-11. Review status: criteria provided, single submitter. Criteria: Invitae Variant Classification Sherloc (09022015). Collection method: clinical testing. Allele origin: germline.
Comment: This sequence change creates a premature translational stop signal (p.Ser48Leufs*119) in the TSEN54 gene. It is expected to result in an absent or disrupted protein product. Loss-of-function variants in TSEN54 are known to be pathogenic (PMID: 18711368, 20952379). This variant is not present in population databases (gnomAD no frequency). This variant has not been reported in the literature in individuals affected with TSEN54-related conditions. For these reasons, this variant has been classified as Pathogenic.

Literature cited by the submitters: PubMed 18711368; PubMed 20952379.